The following is an entry in ClinVar:

NM_153240.5(NPHP3):c.2851C>T (p.Arg951Ter)

Genes: NPHP3 (nephrocystin 3; minus strand), NPHP3-ACAD11 (NPHP3-ACAD11 readthrough (NMD candidate); minus strand). Cytogenetic location: 3q22.1.
Variant type: single nucleotide variant.
Coding change: c.2851C>T on transcript NM_153240.5 (MANE Select); coding-DNA position 2851, C replaced by T.
Protein change: p.Arg951Ter; replaces arginine 951 with a stop codon.
Molecular consequence: nonsense. On other transcripts: non-coding transcript variant (1).
Genome position (GRCh38, 1-based): chr3:132,689,106, G>A on the plus strand (C>T on the coding strand, the complement: NPHP3 is on the minus strand). VCF-style: chr3-132689106-G-A. GRCh37 (hg19) VCF-style: chr3-132407950-G-A.
Other names: short protein forms R951*.
Identifiers: ClinVar variation 936828 (VCV000936828.17), dbSNP rs148670389, ClinGen allele CA2621913.

ClinVar aggregate classification (germline): Pathogenic/Likely pathogenic. Review status: criteria provided, multiple submitters, no conflicts (2 of 4 stars). 5 submissions from 5 submitters: Pathogenic (3); Likely pathogenic (1). 1 of the submissions does not count toward it. Last evaluated 2026-02-02.

Conditions:
NPHP3-related Meckel-like syndrome. Also called: GOLDSTON SYNDROME; Meckel syndrome type 7. Identifiers: Orphanet 3032, MedGen C2673885, MONDO:0009966, OMIM 267010.
Renal-hepatic-pancreatic dysplasia 1 (RHPD1). Identifiers: MedGen C3715199, MONDO:0008833, OMIM 208540.
Nephronophthisis 3 (NPHP3). Also called: Adolescent nephronophthisis. Identifiers: Orphanet 655, MedGen C1858392, MONDO:0011456, OMIM 604387.
Nephronophthisis. Also called: Juvenile Nephronophthisis. Identifiers: Orphanet 655, MedGen C0687120, MONDO:0019005, HP:0000090.
NPHP3-related disorder. Also called: NPHP3-related disorders; NPHP3-related condition. Identifiers: MedGen CN379163.
Joubert syndrome and related disorders. Identifiers: Orphanet 140874, MedGen C5679612, MONDO:0015369.

Allele frequency attached by ClinVar (database versions not stated): ExAC 0.00002; gnomAD exomes 0.00002; TOPMed 0.00002; gnomAD 0.00003 and 0.00004; ESP Exome Variant Server 0.00008.
gnomAD v4.1: 35 of 1,613,914 alleles (0.0022%); highest among the groups gnomAD compares: South Asian, 0.0055%; no homozygotes.

Submissions (5):

Women's Health and Genetics/Laboratory Corporation of America, LabCorp
Classification: Pathogenic for Joubert syndrome and related disorders. Last evaluated: 2026-02-02. Review status: criteria provided, single submitter. Criteria: LabCorp Variant Classification Summary - May 2015. Collection method: clinical testing. Allele origin: germline.
Comment: Variant summary: NPHP3 c.2851C>T (p.Arg951X) results in a premature termination codon, predicted to cause a truncation of the encoded protein or absence of the protein due to nonsense mediated decay, which are commonly known mechanisms for disease. The variant allele was found at a frequency of 2e-05 in 251232 control chromosomes. c.2851C>T has been observed in individual(s) affected with NPHP3-related conditions (internal data). The following publications has been ascertained in the context of this evaluation (PMID: 31964843). ClinVar contains an entry for this variant (Variation ID: 936828). Based on the evidence outlined above, the variant was classified as pathogenic.

Labcorp Genetics (formerly Invitae), Labcorp
Classification: Pathogenic for Nephronophthisis. Last evaluated: 2025-03-31. Review status: criteria provided, single submitter. Criteria: Invitae Variant Classification Sherloc (09022015). Collection method: clinical testing. Allele origin: germline.
Comment: This sequence change creates a premature translational stop signal (p.Arg951*) in the NPHP3 gene. It is expected to result in an absent or disrupted protein product. Loss-of-function variants in NPHP3 are known to be pathogenic (PMID: 18371931, 23559409). This variant is present in population databases (rs148670389, gnomAD 0.006%). This premature translational stop signal has been observed in individual(s) with NPHP3-related conditions (internal data). ClinVar contains an entry for this variant (Variation ID: 936828). For these reasons, this variant has been classified as Pathogenic.

Fulgent Genetics
Classification: Likely pathogenic for Renal-hepatic-pancreatic dysplasia 1; NPHP3-related Meckel-like syndrome; Nephronophthisis 3. Last evaluated: 2024-04-20. Review status: criteria provided, single submitter. Criteria: ACMG Guidelines, 2015. Collection method: clinical testing. Allele origin: germline.

Juno Genomics, Hangzhou Juno Genomics, Inc
Classification: Pathogenic for NPHP3-related Meckel-like syndrome; Nephronophthisis 3; Renal-hepatic-pancreatic dysplasia 1. Review status: criteria provided, single submitter. Criteria: ACMG Guidelines, 2015. Collection method: clinical testing. Allele origin: germline. Affected: yes.
Comment: Absent from controls (or at extremely low frequency if recessive) in Genome Aggregation Database, Exome Sequencing Project, 1000 Genomes Project, or Exome Aggregation Consortium.;Null variant in a gene where loss of function (LOF) is a known mechanism of disease.;Patient's phenotype or family history is highly specific for a disease with a single genetic etiology.

PreventionGenetics, part of Exact Sciences
Classification: Likely pathogenic for NPHP3-related condition. Last evaluated: 2024-01-05. Review status: no assertion criteria provided. Collection method: clinical testing. Allele origin: germline. Not counted in ClinVar's aggregate classification.
Comment: The NPHP3 c.2851C>T variant is predicted to result in premature protein termination (p.Arg951*). To our knowledge, this variant has not been reported in the literature. This variant is reported in 0.0065% of alleles in individuals of South Asian descent in gnomAD. Nonsense variants in NPHP3 are expected to be pathogenic. This variant is interpreted as likely pathogenic.

Literature cited by the submitters: PubMed 31964843 (cited by Women's Health and Genetics/Laboratory Corporation of America, LabCorp); PubMed 18371931 (cited by Labcorp Genetics (formerly Invitae), Labcorp); PubMed 23559409 (cited by Labcorp Genetics (formerly Invitae), Labcorp).